The following is an entry in ClinVar:

NM_001105206.3(LAMA4):c.503+49C>A

Gene: LAMA4 (laminin subunit alpha 4; minus strand). Cytogenetic location: 6q21.
Variant type: single nucleotide variant.
Coding change: c.503+49C>A on transcript NM_001105206.3 (MANE Select); 49 bases into the intron after coding-DNA position 503, C replaced by A.
Molecular consequence: intron variant.
Genome position (GRCh38, 1-based): chr6:112,201,559, G>T on the plus strand (C>A on the coding strand, the complement: LAMA4 is on the minus strand). VCF-style: chr6-112201559-G-T. GRCh37 (hg19) VCF-style: chr6-112522760-G-T.
Other names: c.503+49C>A (NM_002290.5, NM_001105207.3).
Identifiers: ClinVar variation 675871 (VCV000675871.1), dbSNP rs113947176, ClinGen allele CA3966142.

ClinVar aggregate classification (germline): Likely benign (1 of 4 stars; one submission).

Allele frequency attached by ClinVar (database versions not stated): gnomAD exomes 0.00032 and 0.00086; ExAC 0.00112; gnomAD 0.00374 and 0.00398; TOPMed 0.00406; 1000 Genomes Project 0.00439; 1000 Genomes Project 30x 0.00453; ESP Exome Variant Server 0.00469.
gnomAD v4.1: 1,014 of 1,461,158 alleles (0.069%); highest among the groups gnomAD compares: African/African-American, 1.2%; 9 homozygotes.

Submission:

GeneDx
Classification: Likely benign. Last evaluated: 2018-06-14. Review status: criteria provided, single submitter. Criteria: GeneDx Variant Classification (06012015). Collection method: clinical testing. Allele origin: germline. Affected: yes.
Comment: This variant is considered likely benign or benign based on one or more of the following criteria: it is a conservative change, it occurs at a poorly conserved position in the protein, it is predicted to be benign by multiple in silico algorithms, and/or has population frequency not consistent with disease.